The following is an entry in ClinVar:

NM_000051.4(ATM):c.4155G>A (p.Val1385=)

Gene: ATM (ATM serine/threonine kinase; plus strand). Cytogenetic location: 11q22.3.
Variant type: single nucleotide variant.
Coding change: c.4155G>A on transcript NM_000051.4 (MANE Select); coding-DNA position 4155, G replaced by A.
Protein change: p.Val1385=; no amino-acid change (valine 1385 retained).
Molecular consequence: synonymous variant.
Genome position (GRCh38, 1-based): chr11:108,289,022, G>A. VCF-style: chr11-108289022-G-A. GRCh37 (hg19) VCF-style: chr11-108159749-G-A.
Other names: c.4155G>A, p.Val1385= (NM_001351834.2).
Identifiers: ClinVar variation 1585453 (VCV001585453.11), dbSNP rs2082641997, ClinGen allele CA476673697.

ClinVar aggregate classification (germline): Benign/Likely benign. Review status: criteria provided, multiple submitters, no conflicts (2 of 4 stars). 4 submissions from 4 submitters: Benign (1); Likely benign (3). Last evaluated 2026-01-18.

Conditions:
Familial cancer of breast. Also called: BREAST CANCER, FAMILIAL; Hereditary breast cancer; hereditary breast carcinoma. Identifiers: Orphanet 227535, MedGen C0346153, MONDO:0016419, OMIM 114480. Disease mechanism: loss of function.
Ataxia-telangiectasia syndrome (AT). Also called: Cerebello-oculocutaneous telangiectasia; Immunodeficiency with ataxia telangiectasia; ATAXIA-TELANGIECTASIA, COMPLEMENTATION GROUP A; ATAXIA-TELANGIECTASIA, FRESNO VARIANT; LOUIS-BAR SYNDROME; AT, COMPLEMENTATION GROUP C. Identifiers: Orphanet 100, MedGen C0004135, MONDO:0008840, OMIM 208900.
Hereditary cancer-predisposing syndrome. Also called: Neoplastic Syndromes, Hereditary; Hereditary neoplastic syndrome; Hereditary Cancer Syndrome; Tumor predisposition. Identifiers: Orphanet 140162, MedGen C0027672, MeSH D009386, MONDO:0015356.

Allele frequency attached by ClinVar (database versions not stated): TOPMed below 0.00001.

Submissions (4):

Labcorp Genetics (formerly Invitae), Labcorp
Classification: Likely benign for Ataxia-telangiectasia syndrome. Last evaluated: 2026-01-18. Review status: criteria provided, single submitter. Criteria: Invitae Variant Classification Sherloc (09022015). Collection method: clinical testing. Allele origin: germline.

Color Diagnostics, LLC DBA Color Health
Classification: Likely benign for Hereditary cancer-predisposing syndrome. Last evaluated: 2025-01-06. Review status: criteria provided, single submitter. Criteria: ACMG Guidelines, 2015. Collection method: clinical testing. Allele origin: germline.

Myriad Genetics, Inc.
Classification: Benign for Familial cancer of breast. Last evaluated: 2024-05-16. Review status: criteria provided, single submitter. Criteria: Myriad Autosomal Dominant, Autosomal Recessive and X-Linked Classification Criteria (2023). Collection method: clinical testing. Allele origin: unknown.
Comment: This variant is considered benign. This variant is a silent/synonymous amino acid change and it is not expected to impact splicing.

Ambry Genetics
Classification: Likely benign for Hereditary cancer-predisposing syndrome. Last evaluated: 2021-03-10. Review status: criteria provided, single submitter. Criteria: Ambry Variant Classification Scheme 2023. Collection method: clinical testing. Allele origin: germline.